The following is an entry in ClinVar:

NM_178844.4(NLRC3):c.2717C>T (p.Ala906Val)

Gene: NLRC3 (NLR family CARD domain containing 3; minus strand). Cytogenetic location: 16p13.3.
Variant type: single nucleotide variant.
Coding change: c.2717C>T on transcript NM_178844.4 (MANE Select); coding-DNA position 2717, C replaced by T.
Protein change: p.Ala906Val; replaces alanine 906 with valine.
Molecular consequence: missense variant. On other transcripts: non-coding transcript variant (1).
Genome position (GRCh38, 1-based): chr16:3,548,189, G>A on the plus strand (C>T on the coding strand, the complement: NLRC3 is on the minus strand). VCF-style: chr16-3548189-G-A. GRCh37 (hg19) VCF-style: chr16-3598189-G-A.
Other names: short protein forms A906V.
Identifiers: ClinVar variation 103372 (VCV000103372.2), dbSNP rs199475945, ClinGen allele CA230485.
Genomic context (GRCh38, chr16:3,548,189, plus strand): 5'-ACTTACTCTAAGCTGGTGAGGCTCCTGTTGAGCTGTAGTGCTTGTCCCAGGGCCTGGGCA[G>A]CGCCGGCCTGGATGAAGTTCCACTGCAGGCTGGGCAGACACAGACACATGTGACTATGTG-3'
Protein context (NP_849172.2, residues 896-916): HLQWNFIQAG[Ala906Val]AQALGQALQL

ClinVar aggregate classification (germline): not provided (0 of 4 stars; one submission).

Submission:

Human Evolutionary Genetics, Institut Pasteur
No classification provided. Review status: no classification provided. Collection method: not provided. Allele origin: germline.
ClinVar note: Converted during submission from untested to not provided.